The following is an entry in ClinVar:

NM_014704.4(CEP104):c.1778G>A (p.Arg593Gln)

Genes: CEP104 (centrosomal protein 104; minus strand), LOC126805587 (BRD4-independent group 4 enhancer GRCh37_chr1:3747165-3748364; plus strand). Cytogenetic location: 1p36.32.
Variant type: single nucleotide variant.
Coding change: c.1778G>A on transcript NM_014704.4 (MANE Select); coding-DNA position 1778, G replaced by A.
Protein change: p.Arg593Gln; replaces arginine 593 with glutamine.
Molecular consequence: missense variant.
Genome position (GRCh38, 1-based): chr1:3,831,104, C>T on the plus strand (G>A on the coding strand, the complement: CEP104 is on the minus strand). VCF-style: chr1-3831104-C-T. GRCh37 (hg19) VCF-style: chr1-3747668-C-T.
Other names: c.1778G>A (NM_014704.3); short protein forms R593Q.
Identifiers: ClinVar variation 872690 (VCV000872690.44), dbSNP rs757757742, ClinGen allele CA551527.

ClinVar aggregate classification (germline): Uncertain significance. Review status: criteria provided, multiple submitters, no conflicts (2 of 4 stars). 2 submissions from 2 submitters: Uncertain significance (2). Last evaluated 2021-03-19.

Conditions:
Inborn genetic diseases. Identifiers: MedGen C0950123, MeSH D030342.

Allele frequency attached by ClinVar (database versions not stated): gnomAD exomes below 0.00001 and 0.00001; TOPMed below 0.00001; ExAC 0.00001; gnomAD 0.00001.
gnomAD v4.1: 22 of 1,614,074 alleles (0.0014%); highest among the groups gnomAD compares: African/African-American, 0.004%; no homozygotes.

Submissions (2):

Ambry Genetics
Classification: Uncertain significance for Inborn genetic diseases. Last evaluated: 2021-03-19. Review status: criteria provided, single submitter. Criteria: Ambry Variant Classification Scheme 2023. Collection method: clinical testing. Allele origin: germline.
Comment: The c.1778G>A (p.R593Q) alteration is located in exon 13 (coding exon 12) of the CEP104 gene. This alteration results from a G to A substitution at nucleotide position 1778, causing the arginine (R) at amino acid position 593 to be replaced by a glutamine (Q). The p.R593Q alteration is predicted to be tolerated by in silico analysis. Based on insufficient or conflicting evidence, the clinical significance of this alteration remains unclear.

CeGaT Center for Human Genetics Tuebingen
Classification: Uncertain significance. Last evaluated: 2019-08-01. Review status: criteria provided, single submitter. Criteria: CeGaT Center For Human Genetics Tuebingen Variant Classification Criteria Version 2. Collection method: clinical testing. Allele origin: germline. Affected: yes. Observed: 3 variant alleles.